The following is an entry in ClinVar:

ClinVar aggregate classification (germline): Uncertain significance (1 of 4 stars; one submission).

Conditions:
Cardiovascular phenotype. Identifiers: MedGen CN230736.

Submission:

Ambry Genetics
Classification: Uncertain significance for Cardiovascular phenotype. Last evaluated: 2026-04-30. Review status: criteria provided, single submitter. Criteria: Ambry Variant Classification Scheme 2023. Collection method: clinical testing. Allele origin: germline.
Comment: The c.1456-2A>T intronic variant results from an A to T substitution two nucleotides upstream from coding exon 10 in the ABCC9 gene. This nucleotide position is highly conserved in available vertebrate species. In silico splice site analysis predicts that this alteration will weaken the native splice acceptor site. Variants that disrupt the canonical splice site are expected to cause aberrant splicing, resulting in an abnormal protein or a transcript that is subject to nonsense-mediated mRNA decay. Although biallelic loss of function of ABCC9 has been associated with autosomal recessive neurodevelopmental myopathy syndrome, haploinsufficiency of ABCC9 has not been established as a mechanism of disease for autosomal dominant Cantu syndrome. Based on the supporting evidence, this variant is expected to be causative of autosomal recessive neurodevelopmental myopathy syndrome when present along with a second pathogenic variant on the other allele; however, its clinical significance for autosomal dominant Cantu syndrome is unclear.

NM_020297.4(ABCC9):c.1456-2A>T

Gene: ABCC9 (ATP binding cassette subfamily C member 9; minus strand). Cytogenetic location: 12p12.1.
Variant type: single nucleotide variant.
Coding change: c.1456-2A>T on transcript NM_020297.4 (MANE Select); the canonical splice acceptor site of the intron before coding-DNA position 1456, A replaced by T.
Molecular consequence: splice acceptor variant.
Genome position (GRCh38, 1-based): chr12:21,906,290, T>A on the plus strand (A>T on the coding strand, the complement: ABCC9 is on the minus strand). VCF-style: chr12-21906290-T-A. GRCh37 (hg19) VCF-style: chr12-22059224-T-A.
Other names: c.592-2A>T (NM_001377274.1); c.1456-2A>T (NM_005691.4, NM_001377273.1).
Identifiers: ClinVar variation 4860772 (VCV004860772.1).